The following is an entry in ClinVar:

NM_001034853.2(RPGR):c.2291_2293del (p.Val764del)

Gene: RPGR (retinitis pigmentosa GTPase regulator; minus strand). Cytogenetic location: Xp11.4.
Variant type: Deletion.
Coding change: c.2291_2293del on transcript NM_001034853.2 (MANE Select); coding-DNA positions 2291 to 2293, 3 bases deleted (TGG; older notation c.2291_2293delTGG).
Protein change: p.Val764del; deletes valine 764.
Molecular consequence: inframe deletion. On other transcripts: intron variant (8).
Genome position (GRCh38, 1-based): chrX:38,286,706-38,286,708, CCA deleted on the plus strand (TGG on the coding strand, the reverse complement: RPGR is on the minus strand); deleting any 3 consecutive bases within chrX:38,286,706-38,286,709 gives the same sequence; the c. name uses the placement nearest the transcript's 3' end. VCF-style (leftmost placement, unchanged base first): chrX-38286705-TCCA-T. GRCh37 (hg19) VCF-style: chrX-38145958-TCCA-T.
Other names: c.1569+4251_1569+4253del (NM_001367249.1, NM_001367250.1); c.1902+386_1902+388del (NM_001367245.1); c.1386+4251_1386+4253del (NM_001367251.1); c.1719+386_1719+388del (NM_001367246.1); c.1572+4251_1572+4253del (NM_001367247.1); c.1905+386_1905+388del (NM_000328.3); c.1602+4251_1602+4253del (NM_001367248.1); short protein forms V764del.
Identifiers: ClinVar variation 2888352 (VCV002888352.5), dbSNP rs2519792278, ClinGen allele CA2579584457.

ClinVar aggregate classification (germline): Uncertain significance. Review status: criteria provided, multiple submitters, no conflicts (2 of 4 stars). 2 submissions from 2 submitters: Uncertain significance (2). Last evaluated 2023-06-21.

Conditions:
Macular degeneration, X-linked atrophic. Identifiers: Orphanet 1872, MedGen C3151784, MONDO:0010443, OMIM 300834.
X-linked cone-rod dystrophy 1 (CORDX1). Identifiers: Orphanet 1872, MedGen C1844776, MONDO:0010566, OMIM 304020.
Retinitis pigmentosa 3. Also called: CHOROIDORETINAL DEGENERATION WITH RETINAL REFLEX IN HETEROZYGOUS WOMEN. Identifiers: Orphanet 791, MedGen C1845667, MONDO:0010227, OMIM 300029.
Retinitis pigmentosa, X-linked, and sinorespiratory infections, with or without deafness (RPSRDF). Identifiers: Orphanet 247522, MedGen C2749137, OMIM 300455.
Primary ciliary dyskinesia. Also called: Ciliary dyskinesia. Identifiers: Orphanet 244, MedGen C0008780, MONDO:0016575, HP:0012265.

Submissions (2):

Labcorp Genetics (formerly Invitae), Labcorp
Classification: Uncertain significance for Primary ciliary dyskinesia. Last evaluated: 2023-06-21. Review status: criteria provided, single submitter. Criteria: Invitae Variant Classification Sherloc (09022015). Collection method: clinical testing. Allele origin: germline.
Comment: This variant is not present in population databases (gnomAD no frequency). This variant, c.2291_2293del, results in the deletion of 1 amino acid(s) of the RPGR (ORF15) protein (p.Val764del), but otherwise preserves the integrity of the reading frame. This variant has not been reported in the literature in individuals affected with RPGR (ORF15)-related conditions. In summary, the available evidence is currently insufficient to determine the role of this variant in disease. Therefore, it has been classified as a Variant of Uncertain Significance. Experimental studies and prediction algorithms are not available or were not evaluated, and the functional significance of this variant is currently unknown.

Juno Genomics, Hangzhou Juno Genomics, Inc
Classification: Uncertain significance for X-linked cone-rod dystrophy 1; Macular degeneration, X-linked atrophic; Retinitis pigmentosa 3; Retinitis pigmentosa, X-linked, and sinorespiratory infections, with or without deafness. Review status: criteria provided, single submitter. Criteria: ACMG Guidelines, 2015. Collection method: clinical testing. Allele origin: germline.
Comment: Absent from controls (or at extremely low frequency if recessive) in Genome Aggregation Database.;Protein length changes due to in-frame deletions/insertions in a non-repeat region or stop-loss variants.